The following is an entry in ClinVar:

NM_016035.5(COQ4):c.262C>G (p.Gln88Glu)

Gene: COQ4 (coenzyme Q4; plus strand). Cytogenetic location: 9q34.11.
Variant type: single nucleotide variant.
Coding change: c.262C>G on transcript NM_016035.5 (MANE Select); coding-DNA position 262, C replaced by G.
Protein change: p.Gln88Glu; replaces glutamine 88 with glutamic acid.
Molecular consequence: missense variant. On other transcripts: intron variant (1).
Genome position (GRCh38, 1-based): chr9:128,325,202, C>G. VCF-style: chr9-128325202-C-G. GRCh37 (hg19) VCF-style: chr9-131087481-C-G.
Other names: c.203-577C>G (NM_001305942.2); short protein forms Q88E.
Identifiers: ClinVar variation 2151739 (VCV002151739.4), dbSNP rs201212305, ClinGen allele CA5260475.

ClinVar aggregate classification (germline): Uncertain significance (1 of 4 stars; one submission).

Conditions:
Neonatal encephalomyopathy-cardiomyopathy-respiratory distress syndrome. Also called: Coenzyme Q10 deficiency, primary, 7. Identifiers: Orphanet 457185, MedGen C5568562, MONDO:0014562, OMIM 616276.

Allele frequency attached by ClinVar (database versions not stated): gnomAD 0.00001; ExAC 0.00003; 1000 Genomes Project 30x 0.00016; 1000 Genomes Project 0.00020.
gnomAD v4.1: 21 of 1,614,132 alleles (0.0013%); highest among the groups gnomAD compares: East Asian, 0.045%; no homozygotes.

Submission:

Labcorp Genetics (formerly Invitae), Labcorp
Classification: Uncertain significance for Neonatal encephalomyopathy-cardiomyopathy-respiratory distress syndrome. Last evaluated: 2023-07-07. Review status: criteria provided, single submitter. Criteria: Invitae Variant Classification Sherloc (09022015). Collection method: clinical testing. Allele origin: germline.
Comment: This sequence change replaces glutamine, which is neutral and polar, with glutamic acid, which is acidic and polar, at codon 88 of the COQ4 protein (p.Gln88Glu). This variant is present in population databases (rs201212305, gnomAD 0.03%). This variant has not been reported in the literature in individuals affected with COQ4-related conditions. ClinVar contains an entry for this variant (Variation ID: 2151739). Advanced modeling of protein sequence and biophysical properties (such as structural, functional, and spatial information, amino acid conservation, physicochemical variation, residue mobility, and thermodynamic stability) has been performed at Invitae for this missense variant, however the output from this modeling did not meet the statistical confidence thresholds required to predict the impact of this variant on COQ4 protein function. In summary, the available evidence is currently insufficient to determine the role of this variant in disease. Therefore, it has been classified as a Variant of Uncertain Significance.